The following is an entry in ClinVar:

ClinVar aggregate classification (germline): Uncertain significance. Review status: criteria provided, multiple submitters, no conflicts (2 of 4 stars). 2 submissions from 2 submitters: Uncertain significance (2). Last evaluated 2025-06-29.

Conditions:
Congenital factor V deficiency. Also called: Hereditary factor V deficiency disease; LABILE FACTOR DEFICIENCY; OWREN PARAHEMOPHILIA; PARAHEMOPHILIA. Identifiers: Orphanet 326, MedGen C0015499, MONDO:0009210, OMIM 227400.
Inborn genetic diseases. Identifiers: MedGen C0950123, MeSH D030342.

Submissions (2):

Labcorp Genetics (formerly Invitae), Labcorp
Classification: Uncertain significance for Congenital factor V deficiency. Last evaluated: 2025-06-29. Review status: criteria provided, single submitter. Criteria: Invitae Variant Classification Sherloc (09022015). Collection method: clinical testing. Allele origin: germline.
Comment: This sequence change replaces phenylalanine, which is neutral and non-polar, with leucine, which is neutral and non-polar, at codon 383 of the F5 protein (p.Phe383Leu). This variant is not present in population databases (gnomAD no frequency). This variant has not been reported in the literature in individuals affected with F5-related conditions. Invitae Evidence Modeling of protein sequence and biophysical properties (such as structural, functional, and spatial information, amino acid conservation, physicochemical variation, residue mobility, and thermodynamic stability) indicates that this missense variant is expected to disrupt F5 protein function with a positive predictive value of 80%. In summary, the available evidence is currently insufficient to determine the role of this variant in disease. Therefore, it has been classified as a Variant of Uncertain Significance.

Ambry Genetics
Classification: Uncertain significance for Inborn genetic diseases. Last evaluated: 2025-05-20. Review status: criteria provided, single submitter. Criteria: Ambry Variant Classification Scheme 2023. Collection method: clinical testing. Allele origin: germline.

NM_000130.5(F5):c.1147T>C (p.Phe383Leu)

Gene: F5 (coagulation factor V; minus strand). Cytogenetic location: 1q24.2.
Variant type: single nucleotide variant.
Coding change: c.1147T>C on transcript NM_000130.5 (MANE Select); coding-DNA position 1147, T replaced by C.
Protein change: p.Phe383Leu; replaces phenylalanine 383 with leucine.
Molecular consequence: missense variant.
Genome position (GRCh38, 1-based): chr1:169,552,706, A>G on the plus strand (T>C on the coding strand, the complement: F5 is on the minus strand). VCF-style: chr1-169552706-A-G. GRCh37 (hg19) VCF-style: chr1-169521944-A-G.
Other names: short protein forms F383L.
Identifiers: ClinVar variation 4020747 (VCV004020747.2).